The following is an entry in ClinVar:

NM_024915.4(GRHL2):c.132G>C (p.Leu44=)

Gene: GRHL2 (grainyhead like transcription factor 2; plus strand). Cytogenetic location: 8q22.3.
Variant type: single nucleotide variant.
Coding change: c.132G>C on transcript NM_024915.4 (MANE Select); coding-DNA position 132, G replaced by C.
Protein change: p.Leu44=; no amino-acid change (leucine 44 retained).
Molecular consequence: synonymous variant.
Genome position (GRCh38, 1-based): chr8:101,543,352, G>C. VCF-style: chr8-101543352-G-C. GRCh37 (hg19) VCF-style: chr8-102555580-G-C.
Other names: c.84G>C, p.Leu28= (NM_001330593.2).
Identifiers: ClinVar variation 3367341 (VCV003367341.1).

ClinVar aggregate classification (germline): Uncertain significance (1 of 4 stars; one submission).

Submission:

GeneDx
Classification: Uncertain significance. Last evaluated: 2024-01-03. Review status: criteria provided, single submitter. Criteria: GeneDx Variant Classification Process June 2021. Collection method: clinical testing. Allele origin: germline. Affected: yes.
Comment: Not observed at significant frequency in large population cohorts (gnomAD); In silico analysis supports that this variant does not alter splicing; Has not been previously published as pathogenic or benign to our knowledge